The following is an entry in ClinVar:

ClinVar aggregate classification (germline): Uncertain significance (1 of 4 stars; one submission).

Conditions:
Cardiovascular phenotype. Identifiers: MedGen CN230736.

Submission:

Ambry Genetics
Classification: Uncertain significance for Cardiovascular phenotype. Last evaluated: 2025-06-01. Review status: criteria provided, single submitter. Criteria: Ambry Variant Classification Scheme 2023. Collection method: clinical testing. Allele origin: germline.
Comment: The p.M306R variant (also known as c.917T>G), located in coding exon 5 of the RASA1 gene, results from a T to G substitution at nucleotide position 917. The methionine at codon 306 is replaced by arginine, an amino acid with similar properties. This amino acid position is conserved. In addition, this alteration is predicted to be deleterious by in silico analysis. Based on the available evidence, the clinical significance of this variant remains unclear.

NM_002890.3(RASA1):c.917T>G (p.Met306Arg)

Genes: CCNH (cyclin H; minus strand), RASA1 (RAS p21 protein activator 1; plus strand). Cytogenetic location: 5q14.3.
Variant type: single nucleotide variant.
Coding change: c.917T>G on transcript NM_002890.3 (MANE Select); coding-DNA position 917, T replaced by G.
Protein change: p.Met306Arg; replaces methionine 306 with arginine.
Molecular consequence: missense variant. On other transcripts: intron variant (1).
Genome position (GRCh38, 1-based): chr5:87,337,991, T>G. VCF-style: chr5-87337991-T-G. GRCh37 (hg19) VCF-style: chr5-86633808-T-G.
Other names: c.386T>G, p.Met129Arg (NM_022650.3); c.934-25196A>C (NM_001364075.2); short protein forms M129R, M306R.
Identifiers: ClinVar variation 3942988 (VCV003942988.1).